The following is an entry in ClinVar:

NM_001354604.2(MITF):c.838T>A (p.Ser280Thr)

Gene: MITF (melanocyte inducing transcription factor; plus strand). Cytogenetic location: 3p13.
Variant type: single nucleotide variant.
Coding change: c.838T>A on transcript NM_001354604.2 (MANE Select); coding-DNA position 838, T replaced by A.
Protein change: p.Ser280Thr; replaces serine 280 with threonine.
Molecular consequence: missense variant.
Genome position (GRCh38, 1-based): chr3:69,949,126, T>A. VCF-style: chr3-69949126-T-A. GRCh37 (hg19) VCF-style: chr3-69998277-T-A.
Other names: c.835T>A, p.Ser279Thr (NM_001354605.2, NM_001354606.2, NM_006722.3); c.787T>A, p.Ser263Thr (NM_001354607.2); c.682T>A, p.Ser228Thr (NM_001354608.2, NM_001184967.2); c.517T>A, p.Ser173Thr (NM_198158.3, NM_000248.4); c.838T>A, p.Ser280Thr (NM_198159.3); c.790T>A, p.Ser264Thr (NM_198177.3); c.349T>A, p.Ser117Thr (NM_198178.3); short protein forms S117T, S173T, S228T, S263T, S264T, S279T, S280T.
Identifiers: ClinVar variation 4860079 (VCV004860079.1).

ClinVar aggregate classification (germline): Uncertain significance (1 of 4 stars; one submission).

Conditions:
Hereditary cancer-predisposing syndrome. Also called: Neoplastic Syndromes, Hereditary; Tumor predisposition; Hereditary Cancer Syndrome; Hereditary neoplastic syndrome. Identifiers: Orphanet 140162, MedGen C0027672, MeSH D009386, MONDO:0015356.

Submission:

Ambry Genetics
Classification: Uncertain significance for Hereditary cancer-predisposing syndrome. Last evaluated: 2026-06-03. Review status: criteria provided, single submitter. Criteria: Ambry Variant Classification Scheme 2023. Collection method: clinical testing. Allele origin: germline.
Comment: The p.S173T variant (also known as c.517T>A), located in coding exon 5 of the MITF gene, results from a T to A substitution at nucleotide position 517. The serine at codon 173 is replaced by threonine, an amino acid with similar properties. This amino acid position is conserved. In addition, this alteration is predicted to be tolerated by in silico analysis. Based on the available evidence, the clinical significance of this variant remains unclear.